The following is an entry in ClinVar:

NM_000292.3(PHKA2):c.1767A>G (p.Leu589=)

Gene: PHKA2 (phosphorylase kinase regulatory subunit alpha 2; minus strand). Cytogenetic location: Xp22.13.
Variant type: single nucleotide variant.
Coding change: c.1767A>G on transcript NM_000292.3 (MANE Select); coding-DNA position 1767, A replaced by G.
Protein change: p.Leu589=; no amino-acid change (leucine 589 retained).
Molecular consequence: synonymous variant.
Genome position (GRCh38, 1-based): chrX:18,924,082, T>C on the plus strand (A>G on the coding strand, the complement: PHKA2 is on the minus strand). VCF-style: chrX-18924082-T-C. GRCh37 (hg19) VCF-style: chrX-18942200-T-C.
Identifiers: ClinVar variation 512146 (VCV000512146.8), dbSNP rs148153758, ClinGen allele CA10361796.

ClinVar aggregate classification (germline): Benign/Likely benign. Review status: criteria provided, multiple submitters, no conflicts (2 of 4 stars). 3 submissions from 3 submitters: Benign (1); Likely benign (1). 1 of the submissions does not count toward it. Last evaluated 2026-01-05.

Conditions:
Glycogen storage disease IXa1. Also called: GLYCOGEN STORAGE DISEASE VIII; GSD VIII; Glycogen storage disease 8; LIVER GLYCOGENOSIS, X-LINKED, TYPE I. Identifiers: Orphanet 264580, MedGen C3694531, MONDO:0010598, OMIM 306000.
PHKA2-related disorder. Also called: PHKA2-related condition.

Allele frequency attached by ClinVar (database versions not stated): gnomAD exomes 0.00008 and 0.00025; ExAC 0.00031; 1000 Genomes Project 0.00079; 1000 Genomes Project 30x 0.00083; TOPMed 0.00093; ESP Exome Variant Server 0.00095; gnomAD 0.00097 and 0.00102.
gnomAD v4.1: 198 of 1,202,516 alleles (0.016%); highest among the groups gnomAD compares: African/African-American, 0.32%; 1 homozygote.

Submissions (3):

Labcorp Genetics (formerly Invitae), Labcorp
Classification: Benign for Glycogen storage disease IXa1. Last evaluated: 2026-01-05. Review status: criteria provided, single submitter. Criteria: Invitae Variant Classification Sherloc (09022015). Collection method: clinical testing. Allele origin: germline.

GeneDx
Classification: Likely benign. Last evaluated: 2017-10-03. Review status: criteria provided, single submitter. Criteria: GeneDx Variant Classification (06012015). Collection method: clinical testing. Allele origin: germline. Affected: yes.
Comment: This variant is considered likely benign or benign based on one or more of the following criteria: it is a conservative change, it occurs at a poorly conserved position in the protein, it is predicted to be benign by multiple in silico algorithms, and/or has population frequency not consistent with disease.

PreventionGenetics, part of Exact Sciences
Classification: Likely benign for PHKA2-related condition. Last evaluated: 2019-04-15. Review status: no assertion criteria provided. Collection method: clinical testing. Allele origin: germline. Not counted in ClinVar's aggregate classification.
Comment: This variant is classified as likely benign based on ACMG/AMP sequence variant interpretation guidelines (Richards et al. 2015 PMID: 25741868, with internal and published modifications).